The following is an entry in ClinVar:

NM_017617.5(NOTCH1):c.6008C>T (p.Ala2003Val)

Genes: NOTCH1 (notch receptor 1; minus strand), LOC126860794 (BRD4-independent group 4 enhancer GRCh37_chr9:139392592-139393791; plus strand). Cytogenetic location: 9q34.3.
Variant type: single nucleotide variant.
Coding change: c.6008C>T on transcript NM_017617.5 (MANE Select); coding-DNA position 6008, C replaced by T.
Protein change: p.Ala2003Val; replaces alanine 2003 with valine.
Molecular consequence: missense variant.
Genome position (GRCh38, 1-based): chr9:136,499,186, G>A on the plus strand (C>T on the coding strand, the complement: NOTCH1 is on the minus strand). VCF-style: chr9-136499186-G-A. GRCh37 (hg19) VCF-style: chr9-139393638-G-A.
Other names: short protein forms A2003V.
Identifiers: ClinVar variation 1751051 (VCV001751051.2), dbSNP rs934521378, ClinGen allele CA375634560.
Genomic context (GRCh38, chr9:136,499,186, plus strand): 5'-GCGTTGACGTCGGCGTGTGAGTTGATGAGGTCCTCCAGCATGCCCTCCACGGCCAGGCGG[G>A]CAGCCAGGATCAGTGGCGTCGTGCCATCATGCATGCGGGCATCCAGGTCTGTGGCTCGGT-3'
Protein context (NP_060087.3, residues 1993-2013): HDGTTPLILA[Ala2003Val]RLAVEGMLED

ClinVar aggregate classification (germline): Uncertain significance (1 of 4 stars; one submission).

Conditions:
Familial thoracic aortic aneurysm and aortic dissection (TAAD). Also called: Thoracic aortic aneurysms and dissections. Identifiers: Orphanet 91387, MedGen C4707243, MONDO:0019625.

Allele frequency attached by ClinVar (database versions not stated): TOPMed 0.00002.

Submission:

Ambry Genetics
Classification: Uncertain significance for Familial thoracic aortic aneurysm and aortic dissection. Last evaluated: 2021-12-23. Review status: criteria provided, single submitter. Criteria: Ambry Variant Classification Scheme 2023. Collection method: clinical testing. Allele origin: germline.
Comment: The p.A2003V variant (also known as c.6008C>T), located in coding exon 32 of the NOTCH1 gene, results from a C to T substitution at nucleotide position 6008. The alanine at codon 2003 is replaced by valine, an amino acid with similar properties. This amino acid position is conserved. In addition, the in silico prediction for this alteration is inconclusive. Since supporting evidence is limited at this time, the clinical significance of this alteration remains unclear.